The following is an entry in ClinVar:

NM_001378964.1(CDON):c.3190A>G (p.Ser1064Gly)

Gene: CDON (cell adhesion associated, oncogene regulated; minus strand). Cytogenetic location: 11q24.2.
Variant type: single nucleotide variant.
Coding change: c.3190A>G on transcript NM_001378964.1 (MANE Select); coding-DNA position 3190, A replaced by G.
Protein change: p.Ser1064Gly; replaces serine 1064 with glycine.
Molecular consequence: missense variant.
Genome position (GRCh38, 1-based): chr11:125,981,135, T>C on the plus strand (A>G on the coding strand, the complement: CDON is on the minus strand). VCF-style: chr11-125981135-T-C. GRCh37 (hg19) VCF-style: chr11-125851030-T-C.
Other names: c.3190A>G, p.Ser1064Gly (NM_001243597.3, NM_016952.6); short protein forms S1064G.
Identifiers: ClinVar variation 303494 (VCV000303494.42), dbSNP rs143111106, ClinGen allele CA6351489.
Genomic context (GRCh38, chr11:125,981,135, plus strand): 5'-AATCCACGTGTGTCCTGGTTAGAGAGTTGCTGTGCCCGGAGTAAAGCCCTCCATTTAGGC[T>C]CCCATTCACAATTCCATTGACTGCATTGGGGACCTTATGGTGAAGGTGGGAATAGCCACT-3'
Protein context (NP_001365893.1, residues 1054-1074): PNAVNGIVNG[Ser1064Gly]LNGGLYSGHS

ClinVar aggregate classification (germline): Likely benign. Review status: criteria provided, multiple submitters, no conflicts (2 of 4 stars). 6 submissions from 6 submitters: Likely benign (6). Last evaluated 2025-12-04.

Conditions:
CDON-related disorder. Also called: CDON-related condition.
Holoprosencephaly 11 (HPE11). Identifiers: Orphanet 2162, MedGen C3280215, MONDO:0013642, OMIM 614226.
Inborn genetic diseases. Identifiers: MedGen C0950123, MeSH D030342.

Allele frequency attached by ClinVar (database versions not stated): TOPMed 0.00037; 1000 Genomes Project 0.00060; 1000 Genomes Project 30x 0.00078; gnomAD 0.00012 and 0.00019; ESP Exome Variant Server 0.00015; gnomAD exomes 0.00021 and 0.00029; ExAC 0.00033.
gnomAD v4.1: 357 of 1,614,190 alleles (0.022%); highest among the groups gnomAD compares: Middle Eastern, 0.71%; 2 homozygotes.

Submissions (6):

Labcorp Genetics (formerly Invitae), Labcorp
Classification: Likely benign for Holoprosencephaly 11. Last evaluated: 2025-12-04. Review status: criteria provided, single submitter. Criteria: Invitae Variant Classification Sherloc (09022015). Collection method: clinical testing. Allele origin: germline.

PreventionGenetics, part of Exact Sciences
Classification: Likely benign for CDON-related condition. Last evaluated: 2025-07-23. Review status: criteria provided, single submitter. Criteria: ACMG Guidelines, 2015. Collection method: clinical testing. Allele origin: germline.
Comment: This variant is classified as likely benign based on ACMG/AMP sequence variant interpretation guidelines (Richards et al. 2015 PMID: 25741868, with internal and published modifications).

Ambry Genetics
Classification: Likely benign for Inborn genetic diseases. Last evaluated: 2024-04-23. Review status: criteria provided, single submitter. Criteria: Ambry Variant Classification Scheme 2023. Collection method: clinical testing. Allele origin: germline.

CeGaT Center for Human Genetics Tuebingen
Classification: Likely benign. Last evaluated: 2023-10-01. Review status: criteria provided, single submitter. Criteria: CeGaT Center For Human Genetics Tuebingen Variant Classification Criteria Version 2. Collection method: clinical testing. Allele origin: germline. Affected: yes. Observed: 1 variant allele.
Comment: CDON: BP4

Illumina Laboratory Services, Illumina
Classification: Likely benign for Holoprosencephaly 11. Last evaluated: 2018-01-13. Review status: criteria provided, single submitter. Criteria: ICSL Variant Classification Criteria 13 December 2019. Collection method: clinical testing. Allele origin: germline.
Comment: This variant was observed in the ICSL laboratory as part of a predisposition screen in an ostensibly healthy population. It had not been previously curated by ICSL or reported in the Human Gene Mutation Database (HGMD: prior to June 1st, 2018), and was therefore a candidate for classification through an automated scoring system. Utilizing variant allele frequency, disease prevalence and penetrance estimates, and inheritance mode, an automated score was calculated to assess if this variant is too frequent to cause the disease. Based on the score and internal cut-off values, a variant classified as likely benign is not then subjected to further curation. The score for this variant resulted in a classification of likely benign for this disease.

Breakthrough Genomics
Classification: Likely benign. Review status: criteria provided, single submitter. Criteria: ACMG Guidelines, 2015. Collection method: not provided. Allele origin: germline. Inheritance: Autosomal dominant inheritance. Affected: yes.